The following is an entry in ClinVar:

ClinVar aggregate classification (germline): Uncertain significance (1 of 4 stars; one submission).

Submission:

GeneDx
Classification: Uncertain significance. Last evaluated: 2024-07-02. Review status: criteria provided, single submitter. Criteria: GeneDx Variant Classification Process June 2021. Collection method: clinical testing. Allele origin: germline. Affected: yes.
Comment: Frameshift variant predicted to result in protein truncation or nonsense mediated decay in a gene or region of a gene for which loss of function is not a well-established mechanism of disease; Not observed at significant frequency in large population cohorts (gnomAD); Has not been previously published as pathogenic or benign to our knowledge

NM_004818.3(DDX23):c.72del (p.Thr25fs)

Gene: DDX23 (DEAD-box helicase 23; minus strand). Cytogenetic location: 12q13.12.
Variant type: Deletion.
Coding change: c.72del on transcript NM_004818.3 (MANE Select); coding-DNA position 72, one base deleted (G; older notation c.72delG).
Protein change: p.Thr25fs; shifts the reading frame from threonine 25.
Molecular consequence: frameshift variant.
Genome position (GRCh38, 1-based): chr12:48,845,711, C deleted on the plus strand (G on the coding strand, the reverse complement: DDX23 is on the minus strand); the first of 2 consecutive C bases (chr12:48,845,711-48,845,712); deleting either gives the same sequence. VCF-style (leftmost placement, unchanged base first): chr12-48845710-TC-T. GRCh37 (hg19) VCF-style: chr12-49239493-TC-T.
Other names: short protein forms T25fs.
Identifiers: ClinVar variation 3393849 (VCV003393849.1).
Genomic context (GRCh38, chr12:48,845,710, plus strand): 5'-TTCTATCTTTAGATGGGGAAGACTTCCGGTCCCGGTCTCTATCCCGCTCTCTGTCAGGAG[TC>T]CGTGATCGCTTCCTTTCCTCCTTGGAAGGTGATGCATCACGGTCCTTTTTGTCAGCCAGC-3'